The following is an entry in ClinVar:

NM_032803.6(SLC7A3):c.1761G>A (p.Gln587=)

Gene: SLC7A3 (solute carrier family 7 member 3; minus strand). Cytogenetic location: Xq13.1.
Variant type: single nucleotide variant.
Coding change: c.1761G>A on transcript NM_032803.6 (MANE Select); coding-DNA position 1761, G replaced by A.
Protein change: p.Gln587=; no amino-acid change (glutamine 587 retained).
Molecular consequence: synonymous variant.
Genome position (GRCh38, 1-based): chrX:70,925,912, C>T on the plus strand (G>A on the coding strand, the complement: SLC7A3 is on the minus strand). VCF-style: chrX-70925912-C-T. GRCh37 (hg19) VCF-style: chrX-70145762-C-T.
Other names: c.1761G>A, p.Gln587= (NM_001048164.3).
Identifiers: ClinVar variation 2660834 (VCV002660834.24), dbSNP rs191422299, ClinGen allele CA10443019.

ClinVar aggregate classification (germline): Likely benign (1 of 4 stars; one submission).

Allele frequency attached by ClinVar (database versions not stated): ExAC 0.00017; gnomAD 0.00020; TOPMed 0.00020; ESP Exome Variant Server 0.00028; 1000 Genomes Project 30x 0.00042; 1000 Genomes Project 0.00053.
gnomAD v4.1: 119 of 1,209,651 alleles (0.0098%); highest among the groups gnomAD compares: East Asian, 0.08%; 1 homozygote.

Submission:

CeGaT Center for Human Genetics Tuebingen
Classification: Likely benign. Last evaluated: 2022-07-01. Review status: criteria provided, single submitter. Criteria: CeGaT Center For Human Genetics Tuebingen Variant Classification Criteria Version 2. Collection method: clinical testing. Allele origin: germline. Affected: yes. Observed: 1 variant allele.
Comment: SLC7A3: BP4, BP7